The following is an entry in ClinVar:

NM_012301.4(MAGI2):c.3786C>G (p.Leu1262=)

Gene: MAGI2 (membrane associated guanylate kinase, WW and PDZ domain containing 2; minus strand). Cytogenetic location: 7q21.11.
Variant type: single nucleotide variant.
Coding change: c.3786C>G on transcript NM_012301.4 (MANE Select); coding-DNA position 3786, C replaced by G.
Protein change: p.Leu1262=; no amino-acid change (leucine 1262 retained).
Molecular consequence: synonymous variant.
Genome position (GRCh38, 1-based): chr7:78,019,897, G>C on the plus strand (C>G on the coding strand, the complement: MAGI2 is on the minus strand). VCF-style: chr7-78019897-G-C. GRCh37 (hg19) VCF-style: chr7-77649214-G-C.
Other names: c.3744C>G, p.Leu1248= (NM_001301128.2); c.3786C>G (NM_012301.3).
Identifiers: ClinVar variation 2855574 (VCV002855574.5), dbSNP rs140932089, ClinGen allele CA4313387.

ClinVar aggregate classification (germline): Benign. Review status: criteria provided, single submitter (1 of 4 stars). 2 submissions from 2 submitters: Benign (1). 1 of the submissions does not count toward it. Last evaluated 2025-12-29.

Conditions:
MAGI2-related disorder. Also called: MAGI2-related condition.

Allele frequency attached by ClinVar (database versions not stated): gnomAD 0.00074; ESP Exome Variant Server 0.00069; 1000 Genomes Project 30x 0.00094; ExAC 0.00013; 1000 Genomes Project 0.00100.
gnomAD v4.1: 219 of 1,611,408 alleles (0.014%); highest among the groups gnomAD compares: African/African-American, 0.25%; no homozygotes.

Submissions (2):

Labcorp Genetics (formerly Invitae), Labcorp
Classification: Benign. Last evaluated: 2025-12-29. Review status: criteria provided, single submitter. Criteria: Invitae Variant Classification Sherloc (09022015). Collection method: clinical testing. Allele origin: germline.

PreventionGenetics, part of Exact Sciences
Classification: Likely benign for MAGI2-related condition. Last evaluated: 2023-04-05. Review status: no assertion criteria provided. Collection method: clinical testing. Allele origin: germline. Not counted in ClinVar's aggregate classification.
Comment: This variant is classified as likely benign based on ACMG/AMP sequence variant interpretation guidelines (Richards et al. 2015 PMID: 25741868, with internal and published modifications).